The following is an entry in ClinVar:

NM_022124.6(CDH23):c.3326C>T (p.Ala1109Val)

Genes: C10orf105 (chromosome 10 open reading frame 105; minus strand), CDH23 (cadherin related 23; plus strand). Cytogenetic location: 10q22.1.
Variant type: single nucleotide variant.
Coding change: c.3326C>T on transcript NM_022124.6 (MANE Select); coding-DNA position 3326, C replaced by T.
Protein change: p.Ala1109Val; replaces alanine 1109 with valine.
Molecular consequence: missense variant. On other transcripts: 3 prime UTR variant (2).
Genome position (GRCh38, 1-based): chr10:71,712,770, C>T. VCF-style: chr10-71712770-C-T. GRCh37 (hg19) VCF-style: chr10-73472527-C-T.
Other names: c.*3166G>A (NM_001164375.3, NM_001168390.2); c.3326C>T, p.Ala1109Val (NM_001171930.2); short protein forms A1109V.
Identifiers: ClinVar variation 179203 (VCV000179203.4), dbSNP rs727504705, ClinGen allele CA183948.
Genomic context (GRCh38, chr10:71,712,770, plus strand): 5'-TCGTCACTGTCCTGGATGTGAATGACAACCGGCCCATCTTTCTGCAGAGCAGCTATGAGG[C>T]CAGCGTCCCTGAGGACATCCCTGAAGGCCACAGCATCTTGCAGGCAGGTGGCCCGTGGCC-3'
Protein context (NP_071407.4, residues 1099-1119): RPIFLQSSYE[Ala1109Val]SVPEDIPEGH

ClinVar aggregate classification (germline): Uncertain significance (1 of 4 stars; one submission).

Submission:

Laboratory for Molecular Medicine, Mass General Brigham Personalized Medicine
Classification: Uncertain significance. Last evaluated: 2013-09-07. Review status: criteria provided, single submitter. Criteria: LMM Criteria. Collection method: clinical testing. Allele origin: germline. Observed: 1 variant allele.
Comment: Variant classified as Uncertain Significance - Favor Benign. The Ala1109Val vari ant in CDH23 has not been reported in individuals with hearing loss or in large population studies. Computational analyses (biochemical amino acid properties, c onservation, AlignGVGD, PolyPhen2, and SIFT) suggest that the Ala1109Val variant may not impact the protein, though this information is not predictive enough to rule out pathogenicity. Of note, zebra finch and lamprey have a valine (Val) at this position despite high nearby amino acid conservation. In summary, the clin ical significance of this variant cannot be determined with certainty; however, based upon the conservation and computational data, we lean towards a more likel y benign role.